The following is an entry in ClinVar:

NM_000548.5(TSC2):c.1366G>C (p.Glu456Gln)

Gene: TSC2 (TSC complex subunit 2; plus strand). Cytogenetic location: 16p13.3.
Variant type: single nucleotide variant.
Coding change: c.1366G>C on transcript NM_000548.5 (MANE Select); coding-DNA position 1366, G replaced by C.
Protein change: p.Glu456Gln; replaces glutamic acid 456 with glutamine.
Molecular consequence: missense variant. On other transcripts: non-coding transcript variant (5), intron variant (1).
Genome position (GRCh38, 1-based): chr16:2,062,976, G>C. VCF-style: chr16-2062976-G-C. GRCh37 (hg19) VCF-style: chr16-2112977-G-C.
Other names: c.1456G>C, p.Glu486Gln (NM_001406668.1, NM_001406667.1); c.1255G>C, p.Glu419Gln (NM_001406670.1, NM_001406678.1, NM_001318827.2); c.1354G>C, p.Glu452Gln (NM_001406671.1, NM_001406673.1); c.1219G>C, p.Glu407Gln (NM_001406675.1, NM_001406676.1, NM_001406679.1 and 1 more transcripts); c.1309G>C, p.Glu437Gln (NM_001406677.1); c.766G>C, p.Glu256Gln (NM_001406680.1, NM_001318831.2, NM_001406682.1 and 6 more transcripts); c.1366G>C, p.Glu456Gln (NM_001077183.3, NM_001114382.3, NM_001363528.2 and 6 more transcripts); c.1399G>C, p.Glu467Gln (NM_001318832.2); and 3 more; short protein forms E407Q, E419Q, E256Q, E486Q, E456Q, E467Q, E302Q, E437Q.
Identifiers: ClinVar variation 2713362 (VCV002713362.4), dbSNP rs397515142, ClinGen allele CA394323586.

ClinVar aggregate classification (germline): Uncertain significance. Review status: criteria provided, multiple submitters, no conflicts (2 of 4 stars). 2 submissions from 2 submitters: Uncertain significance (2). Last evaluated 2024-07-13.

Conditions:
Tuberous sclerosis 2 (TSC2). Identifiers: Orphanet 805, MedGen C1860707, MONDO:0013199, OMIM 613254.
Hereditary cancer-predisposing syndrome. Also called: Neoplastic Syndromes, Hereditary; Hereditary neoplastic syndrome; Tumor predisposition; Hereditary Cancer Syndrome. Identifiers: Orphanet 140162, MedGen C0027672, MeSH D009386, MONDO:0015356.

Submissions (2):

Ambry Genetics
Classification: Uncertain significance for Hereditary cancer-predisposing syndrome. Last evaluated: 2024-07-13. Review status: criteria provided, single submitter. Criteria: Ambry Variant Classification Scheme 2023. Collection method: clinical testing. Allele origin: germline.
Comment: The p.E456Q variant (also known as c.1366G>C), located in coding exon 13 of the TSC2 gene, results from a G to C substitution at nucleotide position 1366. The glutamic acid at codon 456 is replaced by glutamine, an amino acid with highly similar properties. This amino acid position is conserved. In addition, the in silico prediction for this alteration is inconclusive. Based on the available evidence, the clinical significance of this variant remains unclear.

Labcorp Genetics (formerly Invitae), Labcorp
Classification: Uncertain significance for Tuberous sclerosis 2. Last evaluated: 2023-09-12. Review status: criteria provided, single submitter. Criteria: Invitae Variant Classification Sherloc (09022015). Collection method: clinical testing. Allele origin: germline.
Comment: This variant is not present in population databases (gnomAD no frequency). In summary, the available evidence is currently insufficient to determine the role of this variant in disease. Therefore, it has been classified as a Variant of Uncertain Significance. Advanced modeling of protein sequence and biophysical properties (such as structural, functional, and spatial information, amino acid conservation, physicochemical variation, residue mobility, and thermodynamic stability) performed at Invitae indicates that this missense variant is not expected to disrupt TSC2 protein function. This variant has not been reported in the literature in individuals affected with TSC2-related conditions. This sequence change replaces glutamic acid, which is acidic and polar, with glutamine, which is neutral and polar, at codon 456 of the TSC2 protein (p.Glu456Gln).